The following is an entry in ClinVar:

ClinVar aggregate classification (germline): Uncertain significance (1 of 4 stars; one submission).

gnomAD v4.1: 1 of 1,614,060 alleles (0.000062%); highest among the groups gnomAD compares: South Asian, 0.0011%; no homozygotes.

Submission:

Women's Health and Genetics/Laboratory Corporation of America, LabCorp
Classification: Uncertain significance. Last evaluated: 2024-10-16. Review status: criteria provided, single submitter. Criteria: LabCorp Variant Classification Summary - May 2015. Collection method: clinical testing. Allele origin: germline.
Comment: Variant summary: KMT2D c.5243G>A (p.Gly1748Glu) results in a non-conservative amino acid change in the encoded protein sequence. Three of five in-silico tools predict a damaging effect of the variant on protein function. The variant was absent in 249258 control chromosomes. The available data on variant occurrences in the general population are insufficient to allow any conclusion about variant significance. To our knowledge, no occurrence of c.5243G>A in individuals affected with Kabuki Syndrome 1 and no experimental evidence demonstrating its impact on protein function have been reported. No submitters have cited clinical-significance assessments for this variant to ClinVar. Based on the evidence outlined above, the variant was classified as uncertain significance.

NM_003482.4(KMT2D):c.5243G>A (p.Gly1748Glu)

Gene: KMT2D (lysine methyltransferase 2D; minus strand). Cytogenetic location: 12q13.12.
Variant type: single nucleotide variant.
Coding change: c.5243G>A on transcript NM_003482.4 (MANE Select); coding-DNA position 5243, G replaced by A.
Protein change: p.Gly1748Glu; replaces glycine 1748 with glutamic acid.
Molecular consequence: missense variant.
Genome position (GRCh38, 1-based): chr12:49,043,944, C>T on the plus strand (G>A on the coding strand, the complement: KMT2D is on the minus strand). VCF-style: chr12-49043944-C-T. GRCh37 (hg19) VCF-style: chr12-49437727-C-T.
Other names: short protein forms G1748E.
Identifiers: ClinVar variation 3385272 (VCV003385272.1).
Genomic context (GRCh38, chr12:49,043,944, plus strand): 5'-AACATGTCCTCCAGTTTGCTCTTCTTGCGCCCTCGCCGCTGTTGCTTCTTCTTCTCATCC[C>T]CTTCAGCTAAGCTCTGCTCCACGGCGCCCTCTGCAGGCAGGTCAGCAGGTATCACTGTGG-3'
Protein context (NP_003473.3, residues 1738-1758): EGAVEQSLAE[Gly1748Glu]DEKKKQQRRG